The following is an entry in ClinVar:

ClinVar aggregate classification (germline): Conflicting classifications of pathogenicity. Review status: criteria provided, conflicting classifications (1 of 4 stars). 2 submissions from 2 submitters: Uncertain significance (1); Likely benign (1). Last evaluated 2025-05-21.

Conditions:
Intellectual developmental disorder, X-linked 1. Also called: MENTAL RETARDATION, X-LINKED 18; MENTAL RETARDATION, X-LINKED 78; Intellectual disability, X-linked 1; Atkin Flaitz Patil Smith syndrome. Identifiers: Orphanet 777, MedGen C2931498, MONDO:0010656, OMIM 309530.

Submissions (2):

Labcorp Genetics (formerly Invitae), Labcorp
Classification: Uncertain significance for Intellectual developmental disorder, X-linked 1. Last evaluated: 2025-05-21. Review status: criteria provided, single submitter. Criteria: Invitae Variant Classification Sherloc (09022015). Collection method: clinical testing. Allele origin: germline.
Comment: This variant, c.3735_3737del, results in the deletion of 1 amino acid(s) of the IQSEC2 protein (p.His1247del), but otherwise preserves the integrity of the reading frame. The frequency data for this variant in the population databases is considered unreliable, as metrics indicate poor data quality at this position in the gnomAD database. This variant has not been reported in the literature in individuals affected with IQSEC2-related conditions. ClinVar contains an entry for this variant (Variation ID: 516662). Experimental studies and prediction algorithms are not available or were not evaluated, and the functional significance of this variant is currently unknown. In summary, the available evidence is currently insufficient to determine the role of this variant in disease. Therefore, it has been classified as a Variant of Uncertain Significance.

GeneDx
Classification: Likely benign. Last evaluated: 2021-03-24. Review status: criteria provided, single submitter. Criteria: GeneDx Variant Classification Process June 2021. Collection method: clinical testing. Allele origin: germline. Affected: yes.

NM_001111125.3(IQSEC2):c.3717CCA[6] (p.His1247del)

Gene: IQSEC2 (IQ motif and Sec7 domain ArfGEF 2; minus strand). Cytogenetic location: Xp11.22.
Variant type: Microsatellite.
Coding change: c.3717CCA[6] on transcript NM_001111125.3 (MANE Select); six copies in a row of the 3-base unit CCA starting at c.3717; the reference has seven copies in a row; one copy, 3 bases deleted; also written c.3735_3737del.
Protein change: p.His1247del; deletes histidine 1247.
Molecular consequence: inframe deletion. On other transcripts: 3 prime UTR variant (1).
Genome position (GRCh38, 1-based): chrX:53,234,949-53,234,951, TGG deleted on the plus strand (CCA on the coding strand, the reverse complement: IQSEC2 is on the minus strand); deleting any 3 consecutive bases within chrX:53,234,949-53,234,971 gives the same sequence; the position shown is the placement nearest the transcript's 3' end. VCF-style (leftmost placement, unchanged base first): chrX-53234948-ATGG-A. GRCh37 (hg19) VCF-style: chrX-53264130-ATGG-A.
Other names: c.3735_3737delCCA (NM_001111125.1); c.3735_3737del (NM_001111125.2); c.*202CCA[6] (NM_015075.2); short protein forms H1247del.
Identifiers: ClinVar variation 516662 (VCV000516662.10), dbSNP rs782189881, ClinGen allele CA10419777.